The following is an entry in ClinVar:

NM_022166.4(XYLT1):c.1930C>A (p.Leu644Met)

Genes: XYLT1 (xylosyltransferase 1; minus strand), LOC102723692 (uncharacterized LOC102723692; plus strand). Cytogenetic location: 16p12.3.
Variant type: single nucleotide variant.
Coding change: c.1930C>A on transcript NM_022166.4 (MANE Select); coding-DNA position 1930, C replaced by A.
Protein change: p.Leu644Met; replaces leucine 644 with methionine.
Molecular consequence: missense variant.
Genome position (GRCh38, 1-based): chr16:17,134,570, G>T on the plus strand (C>A on the coding strand, the complement: XYLT1 is on the minus strand). VCF-style: chr16-17134570-G-T. GRCh37 (hg19) VCF-style: chr16-17228427-G-T.
Other names: c.1930C>A (NM_022166.3); short protein forms L644M.
Identifiers: ClinVar variation 1374006 (VCV001374006.6), dbSNP rs754790920, ClinGen allele CA7927731.

ClinVar aggregate classification (germline): Uncertain significance. Review status: criteria provided, multiple submitters, no conflicts (2 of 4 stars). 4 submissions from 4 submitters: Uncertain significance (4). Last evaluated 2025-05-01.

Conditions:
Desbuquois dysplasia 1 (DBQD1). Also called: MICROMELIC DWARFISM WITH VERTEBRAL AND METAPHYSEAL ABNORMALITIES AND ADVANCED CARPOTARSAL OSSIFICATION; DESBUQUOIS DYSPLASIA 1, KIM VARIANT. Identifiers: Orphanet 1425, MedGen C4012146, MONDO:0009629, OMIM 251450.
Inborn genetic diseases. Identifiers: MedGen C0950123, MeSH D030342.

Allele frequency attached by ClinVar (database versions not stated): gnomAD exomes 0.00001 and 0.00004; ExAC 0.00002; gnomAD 0.00023 and 0.00026; TOPMed 0.00037.
gnomAD v4.1: 57 of 1,614,078 alleles (0.0035%); highest among the groups gnomAD compares: African/African-American, 0.055%; no homozygotes.

Submissions (4):

GeneDx
Classification: Uncertain significance. Last evaluated: 2025-05-01. Review status: criteria provided, single submitter. Criteria: GeneDx Variant Classification Process June 2021. Collection method: clinical testing. Allele origin: germline. Affected: yes.
Comment: In silico analysis suggests that this missense variant does not alter protein structure/function; Has not been previously published as pathogenic or benign to our knowledge

Ambry Genetics
Classification: Uncertain significance for Inborn genetic diseases. Last evaluated: 2024-01-09. Review status: criteria provided, single submitter. Criteria: Ambry Variant Classification Scheme 2023. Collection method: clinical testing. Allele origin: germline.

Labcorp Genetics (formerly Invitae), Labcorp
Classification: Uncertain significance for Desbuquois dysplasia 1. Last evaluated: 2022-08-31. Review status: criteria provided, single submitter. Criteria: Invitae Variant Classification Sherloc (09022015). Collection method: clinical testing. Allele origin: germline.
Comment: This sequence change replaces leucine, which is neutral and non-polar, with methionine, which is neutral and non-polar, at codon 644 of the XYLT1 protein (p.Leu644Met). This variant is present in population databases (rs754790920, gnomAD 0.06%). This variant has not been reported in the literature in individuals affected with XYLT1-related conditions. ClinVar contains an entry for this variant (Variation ID: 1374006). Algorithms developed to predict the effect of missense changes on protein structure and function are either unavailable or do not agree on the potential impact of this missense change (SIFT: "Tolerated"; PolyPhen-2: "Probably Damaging"; Align-GVGD: "Class C0"). In summary, the available evidence is currently insufficient to determine the role of this variant in disease. Therefore, it has been classified as a Variant of Uncertain Significance.

Blueprint Genetics
Classification: Uncertain significance. Last evaluated: 2021-09-24. Review status: criteria provided, single submitter. Criteria: ACMG Guidelines, 2015. Collection method: clinical testing. Allele origin: germline.